The following is an entry in ClinVar:

ClinVar aggregate classification (germline): Uncertain significance. Review status: criteria provided, multiple submitters, no conflicts (2 of 4 stars). 5 submissions from 5 submitters: Uncertain significance (5). Last evaluated 2025-08-12.

Conditions:
Arrhythmogenic cardiomyopathy with wooly hair and keratoderma. Also called: PALMOPLANTAR KERATODERMA WITH LEFT VENTRICULAR CARDIOMYOPATHY AND WOOLLY HAIR; Carvajal syndrome; Dilated cardiomyopathy with woolly hair and keratoderma; Arrhythmogenic cardiomyopathy with woolly hair and keratoderma. Identifiers: Orphanet 65282, MedGen C1854063, MONDO:0011581, OMIM 605676.
Arrhythmogenic right ventricular dysplasia 8 (ARVD8). Also called: ARRHYTHMOGENIC RIGHT VENTRICULAR DYSPLASIA, FAMILIAL, 8; ARRHYTHMOGENIC RIGHT VENTRICULAR CARDIOMYOPATHY 8; Arrhythmogenic Right Ventricular Dysplasia/Cardiomyopathy 8. Identifiers: MedGen C1843896, MONDO:0011831, OMIM 607450.
Cardiomyopathy (CMYO). Also called: Cardiomyopathies. Identifiers: Orphanet 167848, MedGen C0878544, MONDO:0004994, HP:0001638. Inheritance: Various modes of inheritance.
Cardiovascular phenotype. Identifiers: MedGen CN230736.
Keratosis palmoplantaris striata 2. Also called: KERATODERMA, PALMOPLANTAR, STRIATE FORM II; STRIATE PALMOPLANTAR KERATODERMA II; Keratosis palmoplantaris striata II. Identifiers: MedGen C1852127, MONDO:0013034, OMIM 612908.
Lethal acantholytic epidermolysis bullosa (EBLA). Identifiers: Orphanet 158687, MedGen C1864826, MONDO:0012323, OMIM 609638.
Cardiomyopathy, dilated, with wooly hair, keratoderma, and tooth agenesis. Also called: Cardiomyopathy, dilated, with woolly hair, keratoderma, and tooth agenesis; Erythrokeratodermia-cardiomyopathy syndrome. Identifiers: Orphanet 476096, Orphanet 65282, MedGen C4014393, MONDO:0014355, OMIM 615821.
Woolly hair-skin fragility syndrome (WHSF). Identifiers: Orphanet 293165, MedGen C1843292, MONDO:0957307, OMIM 620415.

Allele frequency attached by ClinVar (database versions not stated): gnomAD 0.00001; gnomAD exomes 0.00001; TOPMed 0.00001; ExAC 0.00002; 1000 Genomes Project 0.00020; 1000 Genomes Project 30x 0.00031.
gnomAD v4.1: 18 of 1,614,162 alleles (0.0011%); highest among the groups gnomAD compares: Admixed American, 0.0017%; no homozygotes.

Submissions (5):

Labcorp Genetics (formerly Invitae), Labcorp
Classification: Uncertain significance for Arrhythmogenic cardiomyopathy with wooly hair and keratoderma; Arrhythmogenic right ventricular dysplasia 8. Last evaluated: 2025-08-12. Review status: criteria provided, single submitter. Criteria: Invitae Variant Classification Sherloc (09022015). Collection method: clinical testing. Allele origin: germline.
Comment: This sequence change replaces alanine, which is neutral and non-polar, with valine, which is neutral and non-polar, at codon 694 of the DSP protein (p.Ala694Val). This variant is present in population databases (rs543446763, gnomAD 0.002%). This missense change has been observed in individual(s) with dilated cardiomyopathy (PMID: 31983221, 37652022). ClinVar contains an entry for this variant (Variation ID: 577908). An algorithm developed to predict the effect of missense changes on protein structure and function (PolyPhen-2) suggests that this variant is likely to be tolerated. In summary, the available evidence is currently insufficient to determine the role of this variant in disease. Therefore, it has been classified as a Variant of Uncertain Significance.

Ambry Genetics
Classification: Uncertain significance for Cardiovascular phenotype. Last evaluated: 2025-02-26. Review status: criteria provided, single submitter. Criteria: Ambry Variant Classification Scheme 2023. Collection method: clinical testing. Allele origin: germline.
Comment: The p.A694V variant (also known as c.2081C>T), located in coding exon 15 of the DSP gene, results from a C to T substitution at nucleotide position 2081. The alanine at codon 694 is replaced by valine, an amino acid with similar properties. This variant was reported in individual(s) with features consistent with dilated cardiomyopathy (Mazzarotto F et al. Circulation, 2020 02;141:387-398; McGurk KA et al. Am J Hum Genet. 2023 Sep;110(9):1482-1495). This amino acid position is poorly conserved in available vertebrate species. In addition, this alteration is predicted to be tolerated by in silico analysis. Based on the available evidence, the clinical significance of this variant remains unclear.

All of Us Research Program, National Institutes of Health
Classification: Uncertain significance for Arrhythmogenic cardiomyopathy with wooly hair and keratoderma. Last evaluated: 2024-09-17. Review status: criteria provided, single submitter. Criteria: ACMG Guidelines, 2015. Collection method: clinical testing. Allele origin: germline. Inheritance: Autosomal dominant inheritance. Observed: 6 variant alleles, 6 heterozygotes.
Comment: This missense variant replaces alanine with valine at codon 694 of the DSP protein. Computational prediction suggests that this variant may not impact protein structure and function (internally defined REVEL score threshold <= 0.5, PMID: 27666373). To our knowledge, functional studies have not been reported for this variant. This variant has been reported in one individual affected with dilated cardiomyopathy (PMID: 31983221). This variant has been identified in 2/251106 chromosomes in the general population by the Genome Aggregation Database (gnomAD). The available evidence is insufficient to determine the role of this variant in disease conclusively. Therefore, this variant is classified as a Variant of Uncertain Significance.

This study involves interpretation of variants in research participants for the purpose of population health screening. Participant phenotype was not available at the time of variant classification. Additional details can be found in publication PMID: 35346344, PMCID: PMC8962531

Color Diagnostics, LLC DBA Color Health
Classification: Uncertain significance for Cardiomyopathy. Last evaluated: 2023-08-22. Review status: criteria provided, single submitter. Criteria: ACMG Guidelines, 2015. Collection method: clinical testing. Allele origin: germline.
Comment: This missense variant replaces alanine with valine at codon 694 of the DSP protein. Computational prediction suggests that this variant may not impact protein structure and function (internally defined REVEL score threshold <= 0.5, PMID: 27666373). To our knowledge, functional studies have not been reported for this variant. This variant has been reported in one individual affected with dilated cardiomyopathy (PMID: 31983221). This variant has been identified in 2/251106 chromosomes in the general population by the Genome Aggregation Database (gnomAD). The available evidence is insufficient to determine the role of this variant in disease conclusively. Therefore, this variant is classified as a Variant of Uncertain Significance.

Fulgent Genetics
Classification: Uncertain significance for Arrhythmogenic cardiomyopathy with wooly hair and keratoderma; Arrhythmogenic right ventricular dysplasia 8; Lethal acantholytic epidermolysis bullosa; Keratosis palmoplantaris striata 2; Cardiomyopathy, dilated, with wooly hair, keratoderma, and tooth agenesis. Last evaluated: 2021-11-01. Review status: criteria provided, single submitter. Criteria: ACMG Guidelines, 2015. Collection method: clinical testing. Allele origin: unknown.

Literature cited by the submitters: PubMed 31983221 (cited by 4 submitters); PubMed 37652022 (cited by Labcorp Genetics (formerly Invitae), Labcorp and Ambry Genetics).

NM_004415.4(DSP):c.2081C>T (p.Ala694Val)

Gene: DSP (desmoplakin; plus strand). Cytogenetic location: 6p24.3.
Variant type: single nucleotide variant.
Coding change: c.2081C>T on transcript NM_004415.4 (MANE Select); coding-DNA position 2081, C replaced by T.
Protein change: p.Ala694Val; replaces alanine 694 with valine.
Molecular consequence: missense variant.
Genome position (GRCh38, 1-based): chr6:7,572,019, C>T. VCF-style: chr6-7572019-C-T. GRCh37 (hg19) VCF-style: chr6-7572252-C-T.
Other names: c.2081C>T (LRG_423t1); c.2081C>T, p.Ala694Val (NM_001008844.3, NM_001319034.2); short protein forms A694V.
Identifiers: ClinVar variation 577908 (VCV000577908.20), dbSNP rs543446763, ClinGen allele CA031581.